The following is an entry in ClinVar:

NM_002439.5(MSH3):c.786T>G (p.Asp262Glu)

Gene: MSH3 (mutS homolog 3; plus strand). Cytogenetic location: 5q14.1.
Variant type: single nucleotide variant.
Coding change: c.786T>G on transcript NM_002439.5 (MANE Select); coding-DNA position 786, T replaced by G.
Protein change: p.Asp262Glu; replaces aspartic acid 262 with glutamic acid.
Molecular consequence: missense variant.
Genome position (GRCh38, 1-based): chr5:80,670,303, T>G. VCF-style: chr5-80670303-T-G. GRCh37 (hg19) VCF-style: chr5-79966122-T-G.
Other names: c.786T>G (NM_002439.3); short protein forms D262E.
Identifiers: ClinVar variation 857926 (VCV000857926.10), dbSNP rs1580550424, ClinGen allele CA360267024.
Genomic context (GRCh38, chr5:80,670,303, plus strand): 5'-GCACAAAGATGCAGTTTTGTGTGTGGAATGTGGATATAAGTATAGATTCTTTGGGGAAGA[T>G]GCAGAGGTAAGTCGTCTTTTCAGGCACTATTTTATATTTTTCTTGTCTAGCCTTAGATAT-3'
Protein context (NP_002430.3, residues 252-272): CGYKYRFFGE[Asp262Glu]AEIAARELNI

ClinVar aggregate classification (germline): Uncertain significance. Review status: criteria provided, multiple submitters, no conflicts (2 of 4 stars). 2 submissions from 2 submitters: Uncertain significance (2). Last evaluated 2024-01-19.

Conditions:
Hereditary cancer-predisposing syndrome. Also called: Tumor predisposition; Hereditary neoplastic syndrome; Neoplastic Syndromes, Hereditary; Hereditary Cancer Syndrome. Identifiers: Orphanet 140162, MedGen C0027672, MeSH D009386, MONDO:0015356.

Submissions (2):

Ambry Genetics
Classification: Uncertain significance for Hereditary cancer-predisposing syndrome. Last evaluated: 2024-01-19. Review status: criteria provided, single submitter. Criteria: Ambry Variant Classification Scheme 2023. Collection method: clinical testing. Allele origin: germline.
Comment: The p.D262E variant (also known as c.786T>G), located in coding exon 4 of the MSH3 gene, results from a T to G substitution at nucleotide position 786. The aspartic acid at codon 262 is replaced by glutamic acid, an amino acid with highly similar properties. This amino acid position is conserved. In addition, this alteration is predicted to be deleterious by in silico analysis. Based on the available evidence, the clinical significance of this alteration remains unclear.

Labcorp Genetics (formerly Invitae), Labcorp
Classification: Uncertain significance. Last evaluated: 2019-12-05. Review status: criteria provided, single submitter. Criteria: Invitae Variant Classification Sherloc (09022015). Collection method: clinical testing. Allele origin: germline.
Comment: In summary, the available evidence is currently insufficient to determine the role of this variant in disease. Therefore, it has been classified as a Variant of Uncertain Significance. Algorithms developed to predict the effect of missense changes on protein structure and function are either unavailable or do not agree on the potential impact of this missense change (SIFT: "Deleterious"; PolyPhen-2: "Probably Damaging"; Align-GVGD: "Class C0"). This variant has not been reported in the literature in individuals with MSH3-related conditions. This variant is not present in population databases (ExAC no frequency). This sequence change replaces aspartic acid with glutamic acid at codon 262 of the MSH3 protein (p.Asp262Glu). The aspartic acid residue is highly conserved and there is a small physicochemical difference between aspartic acid and glutamic acid.